The following is an entry in ClinVar:

ClinVar aggregate classification (germline): Pathogenic (1 of 4 stars; one submission).

Submission:

Labcorp Genetics (formerly Invitae), Labcorp
Classification: Pathogenic. Last evaluated: 2022-11-03. Review status: criteria provided, single submitter. Criteria: Invitae Variant Classification Sherloc (09022015). Collection method: clinical testing. Allele origin: unknown.
Comment: For these reasons, this variant has been classified as Pathogenic. The region of the PCDH15 gene that includes exon(s) 6 has been determined to be clinically significant (PMID: 28041643). Therefore, deletions that encompass that region are likely to be disease-causing. This variant has not been reported in the literature in individuals affected with PCDH15-related conditions. This variant is a gross deletion of the genomic region encompassing exon(s) 6-8 of the PCDH15 gene. This variant would be expected to be in-frame, preserving the integrity of the reading frame.

Literature cited by the submitters: PubMed 28041643.

NC_000010.10:g.(?_56077011)_(56106264_?)del

Gene: PCDH15 (protocadherin related 15; minus strand). Cytogenetic location: 10q21.1.
Variant type: Deletion.
Identifiers: ClinVar variation 3245029 (VCV003245029.1).